The following is an entry in ClinVar:

NM_001366385.1(CARD14):c.1641G>C (p.Arg547Ser)

Gene: CARD14 (caspase recruitment domain family member 14; plus strand). Cytogenetic location: 17q25.3.
Variant type: single nucleotide variant.
Coding change: c.1641G>C on transcript NM_001366385.1 (MANE Select); coding-DNA position 1641, G replaced by C.
Protein change: p.Arg547Ser; replaces arginine 547 with serine.
Molecular consequence: missense variant. On other transcripts: non-coding transcript variant (1).
Genome position (GRCh38, 1-based): chr17:80,198,145, G>C. VCF-style: chr17-80198145-G-C. GRCh37 (hg19) VCF-style: chr17-78171944-G-C.
Other names: c.1641G>C, p.Arg547Ser (NM_001257970.1, NM_024110.4); c.930G>C, p.Arg310Ser (NM_052819.3); short protein forms R547S, R310S.
Identifiers: ClinVar variation 402485 (VCV000402485.24), dbSNP rs2066964, ClinGen allele CA8816908.

ClinVar aggregate classification (germline): Benign/Likely benign. Review status: criteria provided, multiple submitters, no conflicts (2 of 4 stars). 10 submissions from 9 submitters: Benign (8); Likely benign (2). Last evaluated 2026-02-04.

Conditions:
Pityriasis rubra pilaris (PRP). Also called: Pityriasis rubra pilaris--familial type. Identifiers: Orphanet 2897, MedGen C0032027, MONDO:0100017, OMIM 173200, MONDO:0008251.
Psoriasis 2. Identifiers: MedGen C1864497, MONDO:0011269, OMIM 602723.

Allele frequency attached by ClinVar (database versions not stated): TOPMed 0.34985; gnomAD 0.35511 and 0.35941; ESP Exome Variant Server 0.35914; 1000 Genomes Project 30x 0.36587; 1000 Genomes Project 0.37021.

Submissions (10):

Labcorp Genetics (formerly Invitae), Labcorp
Classification: Benign for Pityriasis rubra pilaris; Psoriasis 2. Last evaluated: 2026-02-04. Review status: criteria provided, single submitter. Criteria: Invitae Variant Classification Sherloc (09022015). Collection method: clinical testing. Allele origin: germline.

Women's Health and Genetics/Laboratory Corporation of America, LabCorp
Classification: Likely benign. Last evaluated: 2026-01-21. Review status: criteria provided, single submitter. Criteria: LabCorp Variant Classification Summary - May 2015. Collection method: clinical testing. Allele origin: germline.

Blueprint Genetics
Classification: Likely benign. Last evaluated: 2024-11-28. Review status: criteria provided, single submitter. Criteria: ACMG Guidelines, 2015. Collection method: clinical testing. Allele origin: germline.

Unidad de Genómica Garrahan, Hospital de Pediatría Garrahan
Classification: Benign. Last evaluated: 2023-11-12. Review status: criteria provided, single submitter. Criteria: ACMG Guidelines, 2015. Collection method: clinical testing. Allele origin: germline. Affected: no. Observed: 49 variant alleles.
Comment: This variant is classified as Benign based on local population frequency. This variant was detected in 51% of patients studied by a panel of primary immunodeficiencies. Number of patients: 49. Only high quality variants are reported.

Genome-Nilou Lab
Classification: Benign for Pityriasis rubra pilaris. Last evaluated: 2021-07-14. Review status: criteria provided, single submitter. Criteria: ACMG Guidelines, 2015. Collection method: clinical testing. Allele origin: germline. Affected: no.

Genome-Nilou Lab
Classification: Benign for Psoriasis 2. Last evaluated: 2021-07-14. Review status: criteria provided, single submitter. Criteria: ACMG Guidelines, 2015. Collection method: clinical testing. Allele origin: germline. Affected: no.

GeneDx
Classification: Benign. Last evaluated: 2018-07-05. Review status: criteria provided, single submitter. Criteria: GeneDx Variant Classification Process June 2021. Collection method: clinical testing. Allele origin: germline. Affected: yes.

Mayo Clinic Laboratories, Mayo Clinic
Classification: Benign. Last evaluated: 2018-03-22. Review status: criteria provided, single submitter. Criteria: ACMG Guidelines, 2015. Collection method: clinical testing. Allele origin: germline. Observed: 597 variant alleles.

Laboratory for Molecular Medicine, Mass General Brigham Personalized Medicine
Classification: Benign. Last evaluated: 2016-03-29. Review status: criteria provided, single submitter. Criteria: LMM Criteria. Collection method: clinical testing. Allele origin: germline.
Comment: Variant identified in a genome or exome case(s) and assessed due to predicted null impact of the variant or pathogenic assertions in the literature or databases. Disclaimer: This variant has not undergone full assessment. The following are preliminary notes: Frequency

Breakthrough Genomics
Classification: Benign. Review status: criteria provided, single submitter. Criteria: ACMG Guidelines, 2015. Collection method: not provided. Allele origin: germline. Inheritance: Autosomal dominant inheritance. Affected: yes.